The following is an entry in ClinVar:

NM_024757.5(EHMT1):c.204T>C (p.Asn68=)

Gene: EHMT1 (euchromatic histone lysine methyltransferase 1; plus strand). Cytogenetic location: 9q34.3.
Variant type: single nucleotide variant.
Coding change: c.204T>C on transcript NM_024757.5 (MANE Select); coding-DNA position 204, T replaced by C.
Protein change: p.Asn68=; no amino-acid change (asparagine 68 retained).
Molecular consequence: synonymous variant.
Genome position (GRCh38, 1-based): chr9:137,716,744, T>C. VCF-style: chr9-137716744-T-C. GRCh37 (hg19) VCF-style: chr9-140611196-T-C.
Other names: c.204T>C, p.Asn68= (NM_001145527.2, NM_001354263.2, NM_001354611.2); c.111T>C, p.Asn37= (NM_001354259.2, NM_001354612.2).
Identifiers: ClinVar variation 462981 (VCV000462981.45), dbSNP rs3812496, ClinGen allele CA5374216.

ClinVar aggregate classification (germline): Benign/Likely benign. Review status: criteria provided, multiple submitters, no conflicts (2 of 4 stars). 7 submissions from 7 submitters: Benign (3); Likely benign (4). Last evaluated 2026-01-21.

Conditions:
Inborn genetic diseases. Identifiers: MedGen C0950123, MeSH D030342.
Kleefstra syndrome 1 (KLEFS1). Identifiers: Orphanet 261494, MedGen C0795833, MONDO:0027407, OMIM 610253.

Allele frequency attached by ClinVar (database versions not stated): gnomAD exomes 0.00029 and 0.00109; gnomAD 0.00043 and 0.00048; ExAC 0.00109; TOPMed 0.00131; 1000 Genomes Project 30x 0.00234; 1000 Genomes Project 0.00240.
gnomAD v4.1: 497 of 1,612,678 alleles (0.031%); highest among the groups gnomAD compares: East Asian, 1%; 3 homozygotes.

Submissions (7):

Labcorp Genetics (formerly Invitae), Labcorp
Classification: Benign for Kleefstra syndrome 1. Last evaluated: 2026-01-21. Review status: criteria provided, single submitter. Criteria: Invitae Variant Classification Sherloc (09022015). Collection method: clinical testing. Allele origin: germline.

Blueprint Genetics
Classification: Likely benign. Last evaluated: 2024-10-02. Review status: criteria provided, single submitter. Criteria: ACMG Guidelines, 2015. Collection method: clinical testing. Allele origin: germline.

CeGaT Center for Human Genetics Tuebingen
Classification: Likely benign. Last evaluated: 2024-07-01. Review status: criteria provided, single submitter. Criteria: CeGaT Center For Human Genetics Tuebingen Variant Classification Criteria Version 2. Collection method: clinical testing. Allele origin: germline. Affected: yes. Observed: 2 variant alleles.
Comment: EHMT1: BP4, BP7, BS1

ARUP Laboratories, Molecular Genetics and Genomics, ARUP Laboratories
Classification: Benign for Kleefstra syndrome 1. Last evaluated: 2024-05-14. Review status: criteria provided, single submitter. Criteria: ARUP Molecular Germline Variant Investigation Process 2024. Collection method: clinical testing. Allele origin: germline.

Fulgent Genetics
Classification: Likely benign for Kleefstra syndrome 1. Last evaluated: 2021-10-20. Review status: criteria provided, single submitter. Criteria: ACMG Guidelines, 2015. Collection method: clinical testing. Allele origin: unknown.

GeneDx
Classification: Likely benign. Last evaluated: 2021-02-24. Review status: criteria provided, single submitter. Criteria: GeneDx Variant Classification Process June 2021. Collection method: clinical testing. Allele origin: germline. Affected: yes.

Ambry Genetics
Classification: Benign for Inborn genetic diseases. Last evaluated: 2017-01-31. Review status: criteria provided, single submitter. Criteria: Ambry Variant Classification Scheme 2023. Collection method: clinical testing. Allele origin: germline.